The following is an entry in ClinVar:

ClinVar aggregate classification (germline): Conflicting classifications of pathogenicity. Review status: criteria provided, conflicting classifications (1 of 4 stars). 3 submissions from 3 submitters: Pathogenic (1); Uncertain significance (2). Last evaluated 2024-02-26.

Conditions:
RYR1-related disorder. Also called: RYR1-related disorders; RYR1-related condition. Identifiers: MedGen CN239331.

Allele frequency attached by ClinVar (database versions not stated): gnomAD exomes below 0.00001; TOPMed below 0.00001; ExAC 0.00001.
gnomAD v4.1: 1 of 1,614,128 alleles (0.000062%); highest among the groups gnomAD compares: Admixed American, 0.0017%; no homozygotes.

Submissions (3):

Revvity Omics, Revvity
Classification: Uncertain significance. Last evaluated: 2024-02-26. Review status: criteria provided, single submitter. Criteria: ACMG Guidelines, 2015. Collection method: clinical testing. Allele origin: germline.

Labcorp Genetics (formerly Invitae), Labcorp
Classification: Pathogenic for RYR1-related disorder. Last evaluated: 2023-09-06. Review status: criteria provided, single submitter. Criteria: Invitae Variant Classification Sherloc (09022015). Collection method: clinical testing. Allele origin: germline.
Comment: Advanced modeling of protein sequence and biophysical properties (such as structural, functional, and spatial information, amino acid conservation, physicochemical variation, residue mobility, and thermodynamic stability) performed at Invitae indicates that this missense variant is expected to disrupt RYR1 protein function. For these reasons, this variant has been classified as Pathogenic. ClinVar contains an entry for this variant (Variation ID: 590586). This missense change has been observed in individual(s) with clinical features of autosomal recessive congenital fiber-type disproportion (Invitae). In at least one individual the data is consistent with being in trans (on the opposite chromosome) from a pathogenic variant. It has also been observed to segregate with disease in related individuals. This variant is present in population databases (rs767343838, gnomAD 0.003%). This sequence change replaces leucine, which is neutral and non-polar, with phenylalanine, which is neutral and non-polar, at codon 2466 of the RYR1 protein (p.Leu2466Phe).

PreventionGenetics, part of Exact Sciences
Classification: Uncertain significance. Last evaluated: 2015-08-07. Review status: criteria provided, single submitter. Criteria: ACMG Guidelines, 2015. Collection method: clinical testing. Allele origin: germline.

NM_000540.3(RYR1):c.7396C>T (p.Leu2466Phe)

Gene: RYR1 (ryanodine receptor 1; plus strand). Cytogenetic location: 19q13.2.
Variant type: single nucleotide variant.
Coding change: c.7396C>T on transcript NM_000540.3 (MANE Select); coding-DNA position 7396, C replaced by T.
Protein change: p.Leu2466Phe; replaces leucine 2466 with phenylalanine.
Molecular consequence: missense variant.
Genome position (GRCh38, 1-based): chr19:38,500,678, C>T. VCF-style: chr19-38500678-C-T. GRCh37 (hg19) VCF-style: chr19-38991318-C-T.
Other names: c.7396C>T, p.Leu2466Phe (NM_001042723.2); short protein forms L2466F.
Identifiers: ClinVar variation 590586 (VCV000590586.13), dbSNP rs767343838, ClinGen allele CA069593.
Genomic context (GRCh38, chr19:38,500,678, plus strand): 5'-GGCAAGGGTGAGGCCCTGCGGATCCGCGCCATCCTCCGCTCCCTTGTGCCCTTGGAGGAC[C>T]TTGTGGGCATCATCAGCCTCCCACTGCAGATTCCCACCCTGGGCAAAGGTGCAGAGGGGA-3'
Protein context (NP_000531.2, residues 2456-2476): ILRSLVPLED[Leu2466Phe]VGIISLPLQI